The following is an entry in ClinVar:

ClinVar aggregate classification (germline): Benign (1 of 4 stars; one submission).

Conditions:
DICER1-related tumor predisposition. Also called: DICER1-related pleuropulmonary blastoma cancer predisposition syndrome; DICER1 syndrome. Identifiers: Orphanet 284343, MedGen C3839822, MONDO:0100216.

Allele frequency attached by ClinVar (database versions not stated): gnomAD exomes 0.00013; 1000 Genomes Project 30x 0.00109; 1000 Genomes Project 0.00120; TOPMed 0.00121.

Submission:

Illumina Laboratory Services, Illumina
Classification: Benign for Pleuropulmonary blastoma. Last evaluated: 2018-01-13. Review status: criteria provided, single submitter. Criteria: ICSL Variant Classification Criteria 13 December 2019. Collection method: clinical testing. Allele origin: germline.
Comment: This variant was observed in the ICSL laboratory as part of a predisposition screen in an ostensibly healthy population. It had not been previously curated by ICSL or reported in the Human Gene Mutation Database (HGMD: prior to June 1st, 2018), and was therefore a candidate for classification through an automated scoring system. Utilizing variant allele frequency, disease prevalence and penetrance estimates, and inheritance mode, an automated score was calculated to assess if this variant is too frequent to cause the disease. Based on the score and internal cut-off values, a variant classified as benign is not then subjected to further curation. The score for this variant resulted in a classification of benign for this disease.

NM_177438.3(DICER1):c.*381C>T

Gene: DICER1 (dicer 1, ribonuclease III; minus strand). Cytogenetic location: 14q32.13.
Variant type: single nucleotide variant.
Coding change: c.*381C>T on transcript NM_177438.3 (MANE Select); 381 bases downstream of the stop codon, C replaced by T.
Molecular consequence: 3 prime UTR variant.
Genome position (GRCh38, 1-based): chr14:95,090,117, G>A on the plus strand (C>T on the coding strand, the complement: DICER1 is on the minus strand). VCF-style: chr14-95090117-G-A. GRCh37 (hg19) VCF-style: chr14-95556454-G-A.
Other names: c.*497C>T (NM_001195573.1); c.*381C>T (NM_001271282.3, NM_001291628.2, NM_030621.4).
Identifiers: ClinVar variation 888140 (VCV000888140.5), dbSNP rs146053288, ClinGen allele CA265894332.